The following is an entry in ClinVar:

NM_002626.6(PFKL):c.2209C>T (p.Arg737Trp)

Gene: PFKL (phosphofructokinase, liver type; plus strand). Cytogenetic location: 21q22.3.
Variant type: single nucleotide variant.
Coding change: c.2209C>T on transcript NM_002626.6 (MANE Select); coding-DNA position 2209, C replaced by T.
Protein change: p.Arg737Trp; replaces arginine 737 with tryptophan.
Molecular consequence: missense variant.
Genome position (GRCh38, 1-based): chr21:44,326,728, C>T. VCF-style: chr21-44326728-C-T. GRCh37 (hg19) VCF-style: chr21-45746611-C-T.
Other names: c.2359C>T, p.Arg787Trp (NM_001002021.3); short protein forms R787W, R737W.
Identifiers: ClinVar variation 716511 (VCV000716511.13), dbSNP rs118106526, ClinGen allele CA10053401.
Genomic context (GRCh38, chr21:44,326,728, plus strand): 5'-CCCTGACCCCTGACTCCCCATCATCCTCCCATCCCCGTCCTGCACAGGCACCGCATGCCA[C>T]GGGAGCAGTGGTGGCTGAGCCTGCGGCTCATGCTGAAGATGCTGGCACAATACCGCATCA-3'
Protein context (NP_002617.3, residues 727-747): KDTDFEHRMP[Arg737Trp]EQWWLSLRLM

ClinVar aggregate classification (germline): Conflicting classifications of pathogenicity. Review status: criteria provided, conflicting classifications (1 of 4 stars). 3 submissions from 3 submitters: Uncertain significance (1); Likely benign (1). 1 of the submissions does not count toward it. Last evaluated 2018-10-31.

Conditions:
PFKL-related disorder. Also called: PFKL-related condition.

Allele frequency attached by ClinVar (database versions not stated): 1000 Genomes Project 0.00100; 1000 Genomes Project 30x 0.00109; TOPMed 0.00119; gnomAD 0.00125 and 0.00128; gnomAD exomes 0.00129 and 0.00195; ESP Exome Variant Server 0.00146; ExAC 0.00163.
gnomAD v4.1: 3,009 of 1,611,954 alleles (0.19%); highest among the groups gnomAD compares: Non-Finnish European, 0.23%; 8 homozygotes.

Submissions (3):

ARUP Laboratories, Molecular Genetics and Genomics, ARUP Laboratories
Classification: Uncertain significance. Last evaluated: 2018-10-31. Review status: criteria provided, single submitter. Criteria: ARUP Molecular Germline Variant Investigation Process. Collection method: clinical testing. Allele origin: germline.

Labcorp Genetics (formerly Invitae), Labcorp
Classification: Likely benign. Last evaluated: 2018-04-23. Review status: criteria provided, single submitter. Criteria: Invitae Variant Classification Sherloc (09022015). Collection method: clinical testing. Allele origin: germline.

PreventionGenetics, part of Exact Sciences
Classification: Likely benign for PFKL-related condition. Last evaluated: 2022-04-28. Review status: no assertion criteria provided. Collection method: clinical testing. Allele origin: germline. Not counted in ClinVar's aggregate classification.
Comment: This variant is classified as likely benign based on ACMG/AMP sequence variant interpretation guidelines (Richards et al. 2015 PMID: 25741868, with internal and published modifications).